The following is an entry in ClinVar:

ClinVar aggregate classification (germline): Uncertain significance (1 of 4 stars; one submission).

Conditions:
Long QT syndrome (LQTS). Identifiers: MedGen C0023976, MeSH D008133, MONDO:0002442. Disease mechanism: loss of function. Inheritance: Various modes of inheritance.

gnomAD v4.1: 3 of 1,613,114 alleles (0.00019%); highest among the groups gnomAD compares: Admixed American, 0.005%; no homozygotes.

Submission:

Labcorp Genetics (formerly Invitae), Labcorp
Classification: Uncertain significance for Long QT syndrome. Last evaluated: 2024-03-20. Review status: criteria provided, single submitter. Criteria: Invitae Variant Classification Sherloc (09022015). Collection method: clinical testing. Allele origin: germline.
Comment: This sequence change replaces glycine, which is neutral and non-polar, with arginine, which is basic and polar, at codon 266 of the ANK2 protein (p.Gly266Arg). This variant is not present in population databases (gnomAD no frequency). This variant has not been reported in the literature in individuals affected with ANK2-related conditions. Advanced modeling of protein sequence and biophysical properties (such as structural, functional, and spatial information, amino acid conservation, physicochemical variation, residue mobility, and thermodynamic stability) has been performed at Invitae for this missense variant, however the output from this modeling did not meet the statistical confidence thresholds required to predict the impact of this variant on ANK2 protein function. Algorithms developed to predict the effect of sequence changes on RNA splicing suggest that this variant may create or strengthen a splice site. In summary, the available evidence is currently insufficient to determine the role of this variant in disease. Therefore, it has been classified as a Variant of Uncertain Significance.

NM_001148.6(ANK2):c.796G>A (p.Gly266Arg)

Gene: ANK2 (ankyrin 2; plus strand). Cytogenetic location: 4q26.
Variant type: single nucleotide variant.
Coding change: c.796G>A on transcript NM_001148.6 (MANE Select); coding-DNA position 796, G replaced by A.
Protein change: p.Gly266Arg; replaces glycine 266 with arginine.
Molecular consequence: missense variant.
Genome position (GRCh38, 1-based): chr4:113,242,114, G>A. VCF-style: chr4-113242114-G-A. GRCh37 (hg19) VCF-style: chr4-114163270-G-A.
Other names: c.733G>A, p.Gly245Arg (NM_001354239.2, NM_001354243.2, NM_001354244.2 and 14 more transcripts); c.841G>A, p.Gly281Arg (NM_001354240.2, NM_001354241.2, NM_001354242.2 and 5 more transcripts); c.796G>A, p.Gly266Arg (NM_001354245.2, NM_001354246.2, NM_001354265.2 and 9 more transcripts); c.709G>A, p.Gly237Arg (NM_001354249.2, NM_001354264.2, NM_001354266.2 and 16 more transcripts); c.784G>A, p.Gly262Arg (NM_001354269.3, NM_001386148.2, NM_001386186.2); c.754G>A, p.Gly252Arg (NM_001354261.2, NM_001386147.1, NM_001386160.1); c.847G>A, p.Gly283Arg (NM_001386174.1); c.823G>A, p.Gly275Arg (NM_001386175.1); and 1 more; short protein forms G252R, G254R, G275R, G237R, G262R, G266R, G245R, G283R.
Identifiers: ClinVar variation 3716958 (VCV003716958.2).